The following is an entry in ClinVar:

ClinVar aggregate classification (germline): Likely pathogenic (1 of 4 stars; one submission).

Conditions:
Monosomy 7 myelodysplasia and leukemia syndrome 1. Also called: Familial Mosaic Monosomy 7 Syndrome; Monosomy 7 of bone marrow; CHROMOSOME 7q DELETION. Identifiers: MedGen C1854978, MONDO:0009646, OMIM 252270.

Submission:

St. Jude Molecular Pathology, St. Jude Children's Research Hospital
Classification: Likely pathogenic for Monosomy 7 myelodysplasia and leukemia syndrome 1. Last evaluated: 2021-11-04. Review status: criteria provided, single submitter. Criteria: St. Jude Assertion Criteria 2020. Collection method: clinical testing. Allele origin: germline. Affected: yes.
Comment: The SAMD9L c.4654T>A (p.Tyr1552Asn) missense change is absent in gnomAD v2.1.1 (PM2_supporting). Seven of seven in silico tools predict a benign effect of this variant on protein function, however these predictions have not been found to correlate with syndromic risk and are thus not considered supporting evidence of a pathogenic or benign effect (PMID: 34621053). This variant is located within the OB fold domain (PMID: 28545555) where pathogenic variants have been reported (PMID: 33328584, 34621053). To our knowledge, functional studies have not been performed for this variant, however other variants in the OB fold domain have been functionally characterized as pathogenic (PMID: 29217778; Ortolano Blood 2018, 132: Supp 1 3863, 34621053). In addition, the adjacent p.Val1551Leu missense change has been reported as de novo in an individual with pancytopenia and monosomy 7 (Ortolano Blood 2018, 132: Supp 1 3863). In summary, this variant meets criteria to be classified as likely pathogenic based on the ACMG/AMP criteria and expert opinion: PM2_supporting, PS4_supporting, PP1.

NM_152703.5(SAMD9L):c.4654T>A (p.Tyr1552Asn)

Gene: SAMD9L (sterile alpha motif domain containing 9 like; minus strand). Cytogenetic location: 7q21.2.
Variant type: single nucleotide variant.
Coding change: c.4654T>A on transcript NM_152703.5 (MANE Select); coding-DNA position 4654, T replaced by A.
Protein change: p.Tyr1552Asn; replaces tyrosine 1552 with asparagine.
Molecular consequence: missense variant.
Genome position (GRCh38, 1-based): chr7:93,131,318, A>T on the plus strand (T>A on the coding strand, the complement: SAMD9L is on the minus strand). VCF-style: chr7-93131318-A-T. GRCh37 (hg19) VCF-style: chr7-92760631-A-T.
Other names: c.4654T>A, p.Tyr1552Asn (NM_001303496.3, NM_001303497.3, NM_001303498.3 and 5 more transcripts); short protein forms Y1552N.
Identifiers: ClinVar variation 1320284 (VCV001320284.4), dbSNP rs2116467712, ClinGen allele CA368170263.